The following is an entry in ClinVar:

NM_017514.5(PLXNA3):c.4174G>A (p.Glu1392Lys)

Gene: PLXNA3 (plexin A3; plus strand). Cytogenetic location: Xq28.
Variant type: single nucleotide variant.
Coding change: c.4174G>A on transcript NM_017514.5 (MANE Select); coding-DNA position 4174, G replaced by A.
Protein change: p.Glu1392Lys; replaces glutamic acid 1392 with lysine.
Molecular consequence: missense variant.
Genome position (GRCh38, 1-based): chrX:154,468,513, G>A. VCF-style: chrX-154468513-G-A. GRCh37 (hg19) VCF-style: chrX-153696856-G-A.
Other names: short protein forms E1392K.
Identifiers: ClinVar variation 3347975 (VCV003347975.2).
Genomic context (GRCh38, chrX:154,468,513, plus strand): 5'-CTGCAGAGCCGGCTCGACTATGCCACGGGGCTGCTCAAGCAACTGCTGGCCGACCTCATC[G>A]AGAAGAACCTCGAGAGCAAGAACCACCCCAAGCTGCTGCTACGCAGGTACCTGCCTTGCT-3'
Protein context (NP_059984.3, residues 1382-1402): LLKQLLADLI[Glu1392Lys]KNLESKNHPK

ClinVar aggregate classification (germline): Uncertain significance (1 of 4 stars; one submission).

Conditions:
PLXNA3-related disorder. Also called: PLXNA3-related condition.

gnomAD v4.1: 6 of 1,209,432 alleles (0.0005%); highest among the groups gnomAD compares: East Asian, 0.003%; no homozygotes.

Submission:

PreventionGenetics, part of Exact Sciences
Classification: Uncertain significance for PLXNA3-related condition. Last evaluated: 2024-10-28. Review status: criteria provided, single submitter. Criteria: ACMG Guidelines, 2015. Collection method: clinical testing. Allele origin: germline.
Comment: The PLXNA3 c.4174G>A variant is predicted to result in the amino acid substitution p.Glu1392Lys. To our knowledge, this variant has not been reported in the literature or in a large population database, indicating this variant is rare. At this time, the clinical significance of this variant is uncertain due to the absence of conclusive functional and genetic evidence.